The following is an entry in ClinVar:

ClinVar aggregate classification (germline): Uncertain significance (1 of 4 stars; one submission).

Conditions:
Aortic aneurysm, familial thoracic 7 (AAT7). Also called: AORTIC DISSECTION, FAMILIAL, WITH OR WITHOUT AORTIC ANEURYSM. Identifiers: MedGen C3151077, MONDO:0013418, OMIM 613780.

Allele frequency attached by ClinVar (database versions not stated): gnomAD exomes below 0.00001; TOPMed below 0.00001.
gnomAD v4.1: 4 of 1,613,884 alleles (0.00025%); highest among the groups gnomAD compares: Non-Finnish European, 0.00034%; no homozygotes.

Submission:

Labcorp Genetics (formerly Invitae), Labcorp
Classification: Uncertain significance for Aortic aneurysm, familial thoracic 7. Last evaluated: 2022-02-07. Review status: criteria provided, single submitter. Criteria: Invitae Variant Classification Sherloc (09022015). Collection method: clinical testing. Allele origin: germline.
Comment: In summary, the available evidence is currently insufficient to determine the role of this variant in disease. Therefore, it has been classified as a Variant of Uncertain Significance. Advanced modeling of protein sequence and biophysical properties (such as structural, functional, and spatial information, amino acid conservation, physicochemical variation, residue mobility, and thermodynamic stability) performed at Invitae indicates that this missense variant is not expected to disrupt MYLK protein function. This variant has not been reported in the literature in individuals affected with MYLK-related conditions. This variant is not present in population databases (gnomAD no frequency). This sequence change replaces alanine, which is neutral and non-polar, with valine, which is neutral and non-polar, at codon 148 of the MYLK protein (p.Ala148Val).

NM_053025.4(MYLK):c.443C>T (p.Ala148Val)

Gene: MYLK (myosin light chain kinase; minus strand). Cytogenetic location: 3q21.1.
Variant type: single nucleotide variant.
Coding change: c.443C>T on transcript NM_053025.4 (MANE Select); coding-DNA position 443, C replaced by T.
Protein change: p.Ala148Val; replaces alanine 148 with valine.
Molecular consequence: missense variant. On other transcripts: 5 prime UTR variant (1).
Genome position (GRCh38, 1-based): chr3:123,739,042, G>A on the plus strand (C>T on the coding strand, the complement: MYLK is on the minus strand). VCF-style: chr3-123739042-G-A. GRCh37 (hg19) VCF-style: chr3-123457889-G-A.
Other names: c.-86C>T (NM_001321309.2); c.443C>T, p.Ala148Val (NM_053026.4, NM_053027.4, NM_053028.4); short protein forms A148V.
Identifiers: ClinVar variation 1976566 (VCV001976566.3), dbSNP rs2062775229, ClinGen allele CA354242031.